The following is an entry in ClinVar:

NM_025114.4(CEP290):c.2992-2A>C

Gene: CEP290 (centrosomal protein 290; minus strand). Cytogenetic location: 12q21.32.
Variant type: single nucleotide variant.
Coding change: c.2992-2A>C on transcript NM_025114.4 (MANE Select); the canonical splice acceptor site of the intron before coding-DNA position 2992, A replaced by C.
Molecular consequence: splice acceptor variant.
Genome position (GRCh38, 1-based): chr12:88,097,001, T>G on the plus strand (A>C on the coding strand, the complement: CEP290 is on the minus strand). VCF-style: chr12-88097001-T-G. GRCh37 (hg19) VCF-style: chr12-88490778-T-G.
Identifiers: ClinVar variation 2040658 (VCV002040658.4), dbSNP rs2037480406, ClinGen allele CA386007296.

ClinVar aggregate classification (germline): Likely pathogenic (1 of 4 stars; one submission).

Conditions:
Joubert syndrome. Also called: CEREBELLOPARENCHYMAL DISORDER IV; JOUBERT-BOLTSHAUSER SYNDROME; Familial aplasia of the vermis. Identifiers: Orphanet 475, MedGen C5979921, MONDO:0018772.
Nephronophthisis. Also called: Juvenile Nephronophthisis. Identifiers: Orphanet 655, MedGen C0687120, MONDO:0019005, HP:0000090.
Meckel-Gruber syndrome. Also called: DYSENCEPHALIA SPLANCHNOCYSTICA; GRUBER SYNDROME; Dysencephalia splachnocystica. Identifiers: Orphanet 564, MedGen C0265215, MONDO:0018921.

Allele frequency attached by ClinVar (database versions not stated): gnomAD exomes below 0.00001; TOPMed below 0.00001.
gnomAD v4.1: 4 of 1,422,678 alleles (0.00028%); highest among the groups gnomAD compares: Non-Finnish European, 0.00019%; no homozygotes.

Submission:

Labcorp Genetics (formerly Invitae), Labcorp
Classification: Likely pathogenic for Joubert syndrome; Meckel-Gruber syndrome; Nephronophthisis. Last evaluated: 2024-02-15. Review status: criteria provided, single submitter. Criteria: Invitae Variant Classification Sherloc (09022015). Collection method: clinical testing. Allele origin: germline.
Comment: This sequence change affects an acceptor splice site in intron 26 of the CEP290 gene. It is expected to disrupt RNA splicing. Variants that disrupt the donor or acceptor splice site typically lead to a loss of protein function (PMID: 16199547), and loss-of-function variants in CEP290 are known to be pathogenic (PMID: 16909394, 17345604, 20690115). This variant is not present in population databases (gnomAD no frequency). This variant has not been reported in the literature in individuals affected with CEP290-related conditions. ClinVar contains an entry for this variant (Variation ID: 2040658). Algorithms developed to predict the effect of sequence changes on RNA splicing suggest that this variant may disrupt the consensus splice site. In summary, the currently available evidence indicates that the variant is pathogenic, but additional data are needed to prove that conclusively. Therefore, this variant has been classified as Likely Pathogenic.

Literature cited by the submitters: PubMed 16199547; PubMed 16909394; PubMed 17345604; PubMed 20690115.